The following is an entry in ClinVar:

NM_000474.4(TWIST1):c.367T>C (p.Ser123Pro)

Gene: TWIST1 (twist family bHLH transcription factor 1; minus strand). Cytogenetic location: 7p21.1.
Variant type: single nucleotide variant.
Coding change: c.367T>C on transcript NM_000474.4 (MANE Select); coding-DNA position 367, T replaced by C.
Protein change: p.Ser123Pro; replaces serine 123 with proline.
Molecular consequence: missense variant. On other transcripts: non-coding transcript variant (1).
Genome position (GRCh38, 1-based): chr7:19,116,955, A>G on the plus strand (T>C on the coding strand, the complement: TWIST1 is on the minus strand). VCF-style: chr7-19116955-A-G. GRCh37 (hg19) VCF-style: chr7-19156578-A-G.
Other names: short protein forms S123P.
Identifiers: ClinVar variation 501963 (VCV000501963.9), dbSNP rs1554442008, ClinGen allele CA367015589.

ClinVar aggregate classification (germline): Uncertain significance. Review status: criteria provided, multiple submitters, no conflicts (2 of 4 stars). 2 submissions from 2 submitters: Uncertain significance (2). Last evaluated 2022-04-01.

Conditions:
TWIST1-related craniosynostosis (CRS1). Also called: CRANIOSYNOSTOSIS 1. Identifiers: Orphanet 63440, MedGen C4551902, MONDO:0007399, OMIM 123100. Inheritance: Heterogenous inheritance pattern.
Saethre-Chotzen syndrome (SCS). Also called: ACROCEPHALY, SKULL ASYMMETRY, AND MILD SYNDACTYLY; ACS III; CHOTZEN SYNDROME. Identifiers: Orphanet 794, MedGen C0175699, MONDO:0007042, OMIM 101400.

Submissions (2):

Labcorp Genetics (formerly Invitae), Labcorp
Classification: Uncertain significance for TWIST1-related craniosynostosis; Saethre-Chotzen syndrome. Last evaluated: 2022-04-01. Review status: criteria provided, single submitter. Criteria: Invitae Variant Classification Sherloc (09022015). Collection method: clinical testing. Allele origin: germline.
Comment: This sequence change replaces serine, which is neutral and polar, with proline, which is neutral and non-polar, at codon 123 of the TWIST1 protein (p.Ser123Pro). This variant is not present in population databases (gnomAD no frequency). This variant has not been reported in the literature in individuals affected with TWIST1-related conditions. ClinVar contains an entry for this variant (Variation ID: 501963). Algorithms developed to predict the effect of missense changes on protein structure and function (SIFT, PolyPhen-2, Align-GVGD) all suggest that this variant is likely to be disruptive. In summary, the available evidence is currently insufficient to determine the role of this variant in disease. Therefore, it has been classified as a Variant of Uncertain Significance.

Eurofins Ntd Llc (ga)
Classification: Uncertain significance. Last evaluated: 2017-05-17. Review status: criteria provided, single submitter. Criteria: EGL Classification Definitions 2015. Collection method: clinical testing. Allele origin: germline.